The following is an entry in ClinVar:

NM_022095.4(ZNF335):c.3351C>A (p.His1117Gln)

Gene: ZNF335 (zinc finger protein 335; minus strand). Cytogenetic location: 20q13.12.
Variant type: single nucleotide variant.
Coding change: c.3351C>A on transcript NM_022095.4 (MANE Select); coding-DNA position 3351, C replaced by A.
Protein change: p.His1117Gln; replaces histidine 1117 with glutamine.
Molecular consequence: missense variant.
Genome position (GRCh38, 1-based): chr20:45,950,355, G>T on the plus strand (C>A on the coding strand, the complement: ZNF335 is on the minus strand). VCF-style: chr20-45950355-G-T. GRCh37 (hg19) VCF-style: chr20-44578994-G-T.
Other names: short protein forms H1117Q.
Identifiers: ClinVar variation 1303440 (VCV001303440.3), dbSNP rs754414245, ClinGen allele CA9885061.

ClinVar aggregate classification (germline): Uncertain significance. Review status: criteria provided, multiple submitters, no conflicts (2 of 4 stars). 2 submissions from 2 submitters: Uncertain significance (2). Last evaluated 2025-09-28.

Conditions:
Inborn genetic diseases. Identifiers: MedGen C0950123, MeSH D030342.

Allele frequency attached by ClinVar (database versions not stated): gnomAD exomes 0.00001; TOPMed below 0.00001; ExAC 0.00001.
gnomAD v4.1: 47 of 1,590,826 alleles (0.003%); highest among the groups gnomAD compares: Non-Finnish European, 0.0039%; no homozygotes.

Submissions (2):

Ambry Genetics
Classification: Uncertain significance for Inborn genetic diseases. Last evaluated: 2025-09-28. Review status: criteria provided, single submitter. Criteria: Ambry Variant Classification Scheme 2023. Collection method: clinical testing. Allele origin: germline.

GeneDx
Classification: Uncertain significance. Last evaluated: 2019-09-12. Review status: criteria provided, single submitter. Criteria: GeneDx Variant Classification Process June 2021. Collection method: clinical testing. Allele origin: germline. Affected: yes.
Comment: Not observed at a significant frequency in large population cohorts (Lek et al., 2016); In silico analysis, which includes protein predictors and evolutionary conservation, supports that this variant does not alter protein structure/function; Has not been previously published as pathogenic or benign to our knowledge